The following is an entry in ClinVar:

NM_000383.4(AIRE):c.290T>C (p.Leu97Pro)

Gene: AIRE (autoimmune regulator; plus strand). Cytogenetic location: 21q22.3.
Variant type: single nucleotide variant.
Coding change: c.290T>C on transcript NM_000383.4 (MANE Select); coding-DNA position 290, T replaced by C.
Protein change: p.Leu97Pro; replaces leucine 97 with proline.
Molecular consequence: missense variant.
Genome position (GRCh38, 1-based): chr21:44,286,714, T>C. VCF-style: chr21-44286714-T-C. GRCh37 (hg19) VCF-style: chr21-45706597-T-C.
Other names: short protein forms L97P.
Identifiers: ClinVar variation 1501337 (VCV001501337.6), dbSNP rs2146375951, ClinGen allele CA410423523.

ClinVar aggregate classification (germline): Likely pathogenic (1 of 4 stars; one submission).

Conditions:
Polyglandular autoimmune syndrome, type 1 (APS1). Also called: PGA I; Autoimmune polyendocrinopathy syndrome, type I; Autoimmune polyendocrinopathy syndrome , type I, with or without reversible metaphyseal dysplasia; HYPOADRENOCORTICISM WITH HYPOPARATHYROIDISM AND SUPERFICIAL MONILIASIS; Autoimmune polyendocrine syndrome type 1; AUTOIMMUNE POLYENDOCRINE SYNDROME, TYPE I, WITH OR WITHOUT REVERSIBLE METAPHYSEAL DYSPLASIA. Identifiers: Orphanet 3453, MedGen C0085859, MONDO:0009411, OMIM 240300.

Allele frequency attached by ClinVar (database versions not stated): gnomAD exomes below 0.00001.
gnomAD v4.1: 1 of 1,612,992 alleles (0.000062%); highest among the groups gnomAD compares: Non-Finnish European, 0.000085%; no homozygotes.

Submission:

Labcorp Genetics (formerly Invitae), Labcorp
Classification: Likely pathogenic for Polyglandular autoimmune syndrome, type 1. Last evaluated: 2021-10-22. Review status: criteria provided, single submitter. Criteria: Invitae Variant Classification Sherloc (09022015). Collection method: clinical testing. Allele origin: germline.
Comment: This sequence change replaces leucine with proline at codon 97 of the AIRE protein (p.Leu97Pro). The leucine residue is highly conserved and there is a moderate physicochemical difference between leucine and proline. This variant is not present in population databases (ExAC no frequency). This variant has been observed in individuals with AIRE-related conditions (PMID: 17220063, 28919897). Advanced modeling of protein sequence and biophysical properties (such as structural, functional, and spatial information, amino acid conservation, physicochemical variation, residue mobility, and thermodynamic stability) performed at Invitae indicates that this missense variant is expected to disrupt AIRE protein function. Experimental studies have shown that this variant affects AIRE function (PMID: 26084028). In summary, the currently available evidence indicates that the variant is pathogenic, but additional data are needed to prove that conclusively. Therefore, this variant has been classified as Likely Pathogenic.

Literature cited by the submitters: PubMed 17220063; PubMed 28919897; PubMed 26084028.